The following is an entry in ClinVar:

ClinVar aggregate classification (germline): Uncertain significance. Review status: criteria provided, multiple submitters, no conflicts (2 of 4 stars). 2 submissions from 2 submitters: Uncertain significance (2). Last evaluated 2024-03-15.

Conditions:
Severe combined immunodeficiency due to DNA-PKcs deficiency. Also called: Immunodeficiency 26 with or without neurologic abnormalities; IMMUNODEFICIENCY 26 WITH NEUROLOGIC ABNORMALITIES. Identifiers: Orphanet 317425, MedGen C4014833, MONDO:0014423, OMIM 615966.

Allele frequency attached by ClinVar (database versions not stated): gnomAD 0.00007 and 0.00008; ESP Exome Variant Server 0.00008; gnomAD exomes 0.00002; TOPMed 0.00003; ExAC 0.00002.
gnomAD v4.1: 68 of 1,613,784 alleles (0.0042%); highest among the groups gnomAD compares: Non-Finnish European, 0.0054%; no homozygotes.

Submissions (2):

Blueprint Genetics
Classification: Uncertain significance. Last evaluated: 2024-03-15. Review status: criteria provided, single submitter. Criteria: ACMG Guidelines, 2015. Collection method: clinical testing. Allele origin: germline.

Labcorp Genetics (formerly Invitae), Labcorp
Classification: Uncertain significance for Severe combined immunodeficiency due to DNA-PKcs deficiency. Last evaluated: 2022-10-18. Review status: criteria provided, single submitter. Criteria: Invitae Variant Classification Sherloc (09022015). Collection method: clinical testing. Allele origin: germline.
Comment: This sequence change replaces arginine, which is basic and polar, with tryptophan, which is neutral and slightly polar, at codon 2776 of the PRKDC protein (p.Arg2776Trp). This variant is present in population databases (rs370862896, gnomAD 0.01%). This variant has not been reported in the literature in individuals affected with PRKDC-related conditions. ClinVar contains an entry for this variant (Variation ID: 573979). Advanced modeling of protein sequence and biophysical properties (such as structural, functional, and spatial information, amino acid conservation, physicochemical variation, residue mobility, and thermodynamic stability) performed at Invitae indicates that this missense variant is expected to disrupt PRKDC protein function. In summary, the available evidence is currently insufficient to determine the role of this variant in disease. Therefore, it has been classified as a Variant of Uncertain Significance.

NM_006904.7(PRKDC):c.8326C>T (p.Arg2776Trp)

Gene: PRKDC (protein kinase, DNA-activated, catalytic subunit; minus strand). Cytogenetic location: 8q11.21.
Variant type: single nucleotide variant.
Coding change: c.8326C>T on transcript NM_006904.7 (MANE Select); coding-DNA position 8326, C replaced by T.
Protein change: p.Arg2776Trp; replaces arginine 2776 with tryptophan.
Molecular consequence: missense variant.
Genome position (GRCh38, 1-based): chr8:47,830,676, G>A on the plus strand (C>T on the coding strand, the complement: PRKDC is on the minus strand). VCF-style: chr8-47830676-G-A. GRCh37 (hg19) VCF-style: chr8-48743237-G-A.
Other names: c.8326C>T, p.Arg2776Trp (NM_001081640.2); short protein forms R2776W.
Identifiers: ClinVar variation 573979 (VCV000573979.6), dbSNP rs370862896, ClinGen allele CA4739853.